The following is an entry in ClinVar:

NM_014629.4(ARHGEF10):c.2872G>A (p.Val958Met)

Gene: ARHGEF10 (Rho guanine nucleotide exchange factor 10; plus strand). Cytogenetic location: 8p23.3.
Variant type: single nucleotide variant.
Coding change: c.2872G>A on transcript NM_014629.4 (MANE Select); coding-DNA position 2872, G replaced by A.
Protein change: p.Val958Met; replaces valine 958 with methionine.
Molecular consequence: missense variant.
Genome position (GRCh38, 1-based): chr8:1,928,601, G>A. VCF-style: chr8-1928601-G-A. GRCh37 (hg19) VCF-style: chr8-1876767-G-A.
Other names: c.2758G>A, p.Val920Met (NM_001308152.2); c.2872G>A, p.Val958Met (NM_001308153.3); short protein forms V920M, V958M, V982M.
Identifiers: ClinVar variation 1901812 (VCV001901812.6), dbSNP rs200222483, ClinGen allele CA4601095.

ClinVar aggregate classification (germline): Uncertain significance. Review status: criteria provided, multiple submitters, no conflicts (2 of 4 stars). 2 submissions from 2 submitters: Uncertain significance (2). Last evaluated 2025-09-02.

Allele frequency attached by ClinVar (database versions not stated): ExAC 0.00003; gnomAD 0.00005.
gnomAD v4.1: 50 of 1,614,092 alleles (0.0031%); highest among the groups gnomAD compares: Non-Finnish European, 0.0036%; 1 homozygote.

Submissions (2):

Labcorp Genetics (formerly Invitae), Labcorp
Classification: Uncertain significance. Last evaluated: 2025-09-02. Review status: criteria provided, single submitter. Criteria: Invitae Variant Classification Sherloc (09022015). Collection method: clinical testing. Allele origin: germline.
Comment: This sequence change replaces valine, which is neutral and non-polar, with methionine, which is neutral and non-polar, at codon 958 of the ARHGEF10 protein (p.Val958Met). This variant is present in population databases (rs200222483, gnomAD 0.01%). This variant has not been reported in the literature in individuals affected with ARHGEF10-related conditions. ClinVar contains an entry for this variant (Variation ID: 1901812). An algorithm developed to predict the effect of missense changes on protein structure and function (PolyPhen-2) suggests that this variant is likely to be tolerated. In summary, the available evidence is currently insufficient to determine the role of this variant in disease. Therefore, it has been classified as a Variant of Uncertain Significance.

Ambry Genetics
Classification: Uncertain significance. Last evaluated: 2022-11-17. Review status: criteria provided, single submitter. Criteria: Ambry Variant Classification Scheme 2023. Collection method: clinical testing. Allele origin: germline.